The following is an entry in ClinVar:

ClinVar aggregate classification (germline): Uncertain significance (1 of 4 stars; one submission).

Conditions:
Long QT syndrome (LQTS). Identifiers: MedGen C0023976, MeSH D008133, MONDO:0002442. Disease mechanism: loss of function. Inheritance: Various modes of inheritance.

Submission:

Labcorp Genetics (formerly Invitae), Labcorp
Classification: Uncertain significance for Long QT syndrome. Last evaluated: 2022-01-17. Review status: criteria provided, single submitter. Criteria: Invitae Variant Classification Sherloc (09022015). Collection method: clinical testing. Allele origin: germline.
Comment: This sequence change replaces valine, which is neutral and non-polar, with alanine, which is neutral and non-polar, at codon 138 of the KCNH2 protein (p.Val138Ala). This variant is not present in population databases (gnomAD no frequency). This variant has not been reported in the literature in individuals affected with KCNH2-related conditions. Algorithms developed to predict the effect of missense changes on protein structure and function output the following: SIFT: "Tolerated"; PolyPhen-2: "Benign"; Align-GVGD: "Class C0". The alanine amino acid residue is found in multiple mammalian species, which suggests that this missense change does not adversely affect protein function. In summary, the available evidence is currently insufficient to determine the role of this variant in disease. Therefore, it has been classified as a Variant of Uncertain Significance.

NM_000238.4(KCNH2):c.413T>C (p.Val138Ala)

Gene: KCNH2 (potassium voltage-gated channel subfamily H member 2; minus strand). Cytogenetic location: 7q36.1.
Variant type: single nucleotide variant.
Coding change: c.413T>C on transcript NM_000238.4 (MANE Select); coding-DNA position 413, T replaced by C.
Protein change: p.Val138Ala; replaces valine 138 with alanine.
Molecular consequence: missense variant.
Genome position (GRCh38, 1-based): chr7:150,959,631, A>G on the plus strand (T>C on the coding strand, the complement: KCNH2 is on the minus strand). VCF-style: chr7-150959631-A-G. GRCh37 (hg19) VCF-style: chr7-150656719-A-G.
Other names: c.125T>C, p.Val42Ala (NM_001406753.1, NM_001406756.1); c.236T>C, p.Val79Ala (NM_001406755.1); c.113T>C, p.Val38Ala (NM_001406757.1); c.413T>C, p.Val138Ala (NM_172056.3); short protein forms V38A, V138A, V42A, V79A.
Identifiers: ClinVar variation 2087319 (VCV002087319.4), dbSNP rs2486100716, ClinGen allele CA369863702.